The following is an entry in ClinVar:

NM_000458.4(HNF1B):c.1580G>A (p.Arg527Gln)

Gene: HNF1B (HNF1 homeobox B; minus strand). Cytogenetic location: 17q12.
Variant type: single nucleotide variant.
Coding change: c.1580G>A on transcript NM_000458.4 (MANE Select); coding-DNA position 1580, G replaced by A.
Protein change: p.Arg527Gln; replaces arginine 527 with glutamine.
Molecular consequence: missense variant. On other transcripts: intron variant (1).
Genome position (GRCh38, 1-based): chr17:37,699,149, C>T on the plus strand (G>A on the coding strand, the complement: HNF1B is on the minus strand). VCF-style: chr17-37699149-C-T. GRCh37 (hg19) VCF-style: chr17-36059155-C-T.
Other names: c.1502G>A, p.Arg501Gln (NM_001165923.4); c.1261+5768G>A (NM_001304286.2); short protein forms R527Q, R501Q.
Identifiers: ClinVar variation 595266 (VCV000595266.11), dbSNP rs758130759, ClinGen allele CA8518792.

ClinVar aggregate classification (germline): Uncertain significance. Review status: criteria provided, multiple submitters, no conflicts (2 of 4 stars). 5 submissions from 5 submitters: Uncertain significance (5). Last evaluated 2026-03-19.

Conditions:
HNF1B-related disorder. Also called: HNF1B-related condition; HNF1B-related disorders.
Renal cysts and diabetes syndrome (RCAD). Also called: Familial hypoplastic, glomerulocystic kidney; MATURITY-ONSET DIABETES OF THE YOUNG, TYPE 5. Identifiers: Orphanet 93111, MedGen C0431693, MONDO:0007669, OMIM 137920.

Allele frequency attached by ClinVar (database versions not stated): TOPMed below 0.00001; gnomAD 0.00001; gnomAD exomes 0.00001; ExAC 0.00002.
gnomAD v4.1: 20 of 1,613,952 alleles (0.0012%); highest among the groups gnomAD compares: East Asian, 0.0022%; no homozygotes.

Submissions (5):

PreventionGenetics, part of Exact Sciences
Classification: Uncertain significance for HNF1B-related condition. Last evaluated: 2026-03-19. Review status: criteria provided, single submitter. Criteria: ACMG Guidelines, 2015. Collection method: clinical testing. Allele origin: germline.
Comment: The HNF1B c.1580G>A variant is predicted to result in the amino acid substitution p.Arg527Gln. This variant was reported as a variant of uncertain significance in an individual with type 2 diabetes (Table S5. Johnson et al. 2018. PubMed ID: 30191644) and in an additional proband with early onset diabetes and a family history of diabetes (Pace et al. 2018. PubMed ID: 29764441). This variant is reported in 0.0054% of alleles in individuals of East Asian descent in gnomAD. At this time, the clinical significance of this variant is uncertain due to the absence of conclusive functional and genetic evidence.

Victorian Clinical Genetics Services, Murdoch Childrens Research Institute
Classification: Uncertain significance for Renal cysts and diabetes syndrome. Last evaluated: 2023-07-17. Review status: criteria provided, single submitter. Criteria: ACMG Guidelines, 2015. Collection method: clinical testing. Allele origin: germline. Inheritance: Autosomal dominant inheritance. Affected: yes.
Comment: Based on the classification scheme VCGS_Germline_v1.3.4, this variant is classified as VUS-3B. Following criteria are met: 0103 - Dominant negative, loss of function and gain of function are known mechanisms of disease in this gene and are associated with diabetes mellitus, non insulin-dependent (MIM#125853) and renal cysts and diabetes syndrome (MIM#137920). Dominant negative, loss of function and gain of function mechanisms have been reported in the literature (PMID: 27615128, OMIM). (I) 0107 - This gene is associated with autosomal dominant disease. (I) 0115 - Variants in this gene are known to have variable expressivity. Variable types and age of onset of renal disease have been associated with HNF1B variants (PMID: 29764441). 0200 - Variant is predicted to result in a missense amino acid change from arginine to glutamine. (I) 0251 - This variant is heterozygous. (I) 0302 - Variant is present in gnomAD (v2 & v3) <0.001 for a dominant condition (6 heterozygotes, 0 homozygotes). (SP) 0309 - An alternative amino acid change at the same position has been observed in gnomAD (v2) (p:(Arg527Trp): 2 heterozygotes, 0 homozygotes). (I) 0501 - Missense variant consistently predicted to be damaging by multiple in silico tools or highly conserved with a major amino acid change. (SP) 0600 - Variant is located in the annotated HNF-1 C-terminal transactivation domain (PMID: 29764441). (I) 0705 - No comparable missense variants have previous evidence for pathogenicity. (I) 0808 - Previous reports of pathogenicity for this variant are conflicting. This variant was identified in two individuals with diabetes melitus where one had glomerular hyperfiltration although both did not have renal cysts (PMID: 29764441). Pace et al (2018) classified the variant as likely pathogenic. However, a more recent report has classified this variant as a variant of uncertain signficance according to ACMG guidelines (PMID: 31498910). This variant has also been classified as a VUS by clinical laboratories in ClinVar. (I) 0905 - No published segregation evidence has been identified for this variant. (I) 1007 - No published functional evidence has been identified for this variant. (I) 1208 - Inheritance information for this variant is not currently available in this individual. (I) Legend: (SP) - Supporting pathogenic, (I) - Information, (SB) - Supporting benign

Labcorp Genetics (formerly Invitae), Labcorp
Classification: Uncertain significance. Last evaluated: 2022-03-01. Review status: criteria provided, single submitter. Criteria: Invitae Variant Classification Sherloc (09022015). Collection method: clinical testing. Allele origin: germline.
Comment: This sequence change replaces arginine, which is basic and polar, with glutamine, which is neutral and polar, at codon 527 of the HNF1B protein (p.Arg527Gln). This variant is present in population databases (rs758130759, gnomAD 0.006%). This missense change has been observed in individual(s) with HNF1B-related conditions (PMID: 29764441, 30191644). ClinVar contains an entry for this variant (Variation ID: 595266). Algorithms developed to predict the effect of missense changes on protein structure and function are either unavailable or do not agree on the potential impact of this missense change (SIFT: "Deleterious"; PolyPhen-2: "Not Available"; Align-GVGD: "Class C35"). Algorithms developed to predict the effect of sequence changes on RNA splicing suggest that this variant may create or strengthen a splice site. In summary, the available evidence is currently insufficient to determine the role of this variant in disease. Therefore, it has been classified as a Variant of Uncertain Significance.

Institute of Human Genetics, FAU Erlangen, Friedrich-Alexander-Universität Erlangen-Nürnberg
Classification: Uncertain significance for Renal cysts and diabetes syndrome. Last evaluated: 2019-07-06. Review status: criteria provided, single submitter. Criteria: ACMG Guidelines, 2015. Collection method: literature only. Allele origin: germline. Affected: yes.
Comment: This variant and it's classification has been reported by Vasileiou et al. 2019; DOI:10.1101/576918. The variants has previously been reported in PMID:29764441 as "c.1580G > A, NM_000458.3, p.Arg527Gln" with clinical significance Pathogenic. It has been re-classified using InterVar and manual curation as Uncertain significance based on PM1 PP3 PP5.

Eurofins Ntd Llc (ga)
Classification: Uncertain significance. Last evaluated: 2017-12-05. Review status: criteria provided, single submitter. Criteria: EGL Classification Definitions 2015. Collection method: clinical testing. Allele origin: germline. Observed: 1 variant allele, 1 heterozygote.

Literature cited by the submitters: PubMed 27615128 (cited by Victorian Clinical Genetics Services, Murdoch Childrens Research Institute); PubMed 29764441 (cited by 3 submitters); PubMed 31498910 (cited by Victorian Clinical Genetics Services, Murdoch Childrens Research Institute); PubMed 30191644 (cited by Labcorp Genetics (formerly Invitae), Labcorp); DOI 10.1101/576918 (cited by Institute of Human Genetics, FAU Erlangen, Friedrich-Alexander-Universität Erlangen-Nürnberg).